The following is an entry in ClinVar:

NM_001001957.2(OR2W3):c.526C>T (p.His176Tyr)

Gene: OR2W3 (olfactory receptor family 2 subfamily W member 3; plus strand). Cytogenetic location: 1q44.
Variant type: single nucleotide variant.
Coding change: c.526C>T on transcript NM_001001957.2 (MANE Select); coding-DNA position 526, C replaced by T.
Protein change: p.His176Tyr; replaces histidine 176 with tyrosine.
Molecular consequence: missense variant.
Genome position (GRCh38, 1-based): chr1:247,896,112, C>T. VCF-style: chr1-247896112-C-T. GRCh37 (hg19) VCF-style: chr1-248059414-C-T.
Other names: short protein forms H176Y.
Identifiers: ClinVar variation 2035178 (VCV002035178.4), dbSNP rs2527688422, ClinGen allele CA345593951.
Genomic context (GRCh38, chr1:247,896,112, plus strand): 5'-TCCTTGGCCATGTCTCCTGTGACCCTGCGCTTACCCCGCTGTGGGCACCACGAGGTGGAC[C>T]ACTTCCTGCGTGAGATGCCCGCCCTGATCCGGATGGCCTGCGTCAGCACTGTGGCCATCG-3'
Protein context (NP_001001957.2, residues 166-186): LPRCGHHEVD[His176Tyr]FLREMPALIR

ClinVar aggregate classification (germline): Uncertain significance (1 of 4 stars; one submission).

Submission:

Labcorp Genetics (formerly Invitae), Labcorp
Classification: Uncertain significance. Last evaluated: 2022-10-11. Review status: criteria provided, single submitter. Criteria: Invitae Variant Classification Sherloc (09022015). Collection method: clinical testing. Allele origin: germline.
Comment: In summary, the available evidence is currently insufficient to determine the role of this variant in disease. Therefore, it has been classified as a Variant of Uncertain Significance. Algorithms developed to predict the effect of missense changes on protein structure and function (SIFT, PolyPhen-2, Align-GVGD) all suggest that this variant is likely to be disruptive. This variant has not been reported in the literature in individuals affected with OR2W3-related conditions. This variant is not present in population databases (gnomAD no frequency). This sequence change replaces histidine, which is basic and polar, with tyrosine, which is neutral and polar, at codon 176 of the OR2W3 protein (p.His176Tyr).